The following is an entry in ClinVar:

NM_001038603.3(MARVELD2):c.98C>T (p.Thr33Ile)

Gene: MARVELD2 (MARVEL domain containing 2; plus strand). Cytogenetic location: 5q13.2.
Variant type: single nucleotide variant.
Coding change: c.98C>T on transcript NM_001038603.3 (MANE Select); coding-DNA position 98, C replaced by T.
Protein change: p.Thr33Ile; replaces threonine 33 with isoleucine.
Molecular consequence: missense variant.
Genome position (GRCh38, 1-based): chr5:69,419,483, C>T. VCF-style: chr5-69419483-C-T. GRCh37 (hg19) VCF-style: chr5-68715310-C-T.
Other names: c.98C>T, p.Thr33Ile (NM_001244734.2); short protein forms T33I.
Identifiers: ClinVar variation 43847 (VCV000043847.20), dbSNP rs1185246, ClinGen allele CA133019.
Genomic context (GRCh38, chr5:69,419,483, plus strand): 5'-GCTACGATGAGGTCCCAAGCGACCTGCCCTATCAAGATACCACCATAAGAACCCACCCAA[C>T]TCTTCATGACAGTGAGCGGGCAGTGAGCGCTGATCCCTTGCCACCACCCCCTCTCCCATT-3'
Protein context (NP_001033692.2, residues 23-43): YQDTTIRTHP[Thr33Ile]LHDSERAVSA

ClinVar aggregate classification (germline): Benign. Review status: criteria provided, multiple submitters, no conflicts (2 of 4 stars). 8 submissions from 8 submitters: Benign (8). Last evaluated 2026-02-04.

Conditions:
Autosomal recessive nonsyndromic hearing loss 49. Also called: Deafness, neurosensory, autosomal recessive 49. Identifiers: Orphanet 90636, MedGen C1857811, MONDO:0012420, OMIM 610153.

Allele frequency attached by ClinVar (database versions not stated): ExAC 0.49967; gnomAD exomes 0.50088 and 0.48714; ESP Exome Variant Server 0.46748; TOPMed 0.46936; gnomAD 0.47503 and 0.47836; 1000 Genomes Project 30x 0.48282; 1000 Genomes Project 0.48303.
gnomAD v4.1: 785,301 of 1,613,744 alleles (49%); highest among the groups gnomAD compares: South Asian, 54%; 192,292 homozygotes.

Submissions (8):

Labcorp Genetics (formerly Invitae), Labcorp
Classification: Benign. Last evaluated: 2026-02-04. Review status: criteria provided, single submitter. Criteria: Invitae Variant Classification Sherloc (09022015). Collection method: clinical testing. Allele origin: germline.

Genome-Nilou Lab
Classification: Benign for Autosomal recessive nonsyndromic hearing loss 49. Last evaluated: 2021-09-05. Review status: criteria provided, single submitter. Criteria: ACMG Guidelines, 2015. Collection method: clinical testing. Allele origin: germline. Affected: no.

Mayo Clinic Laboratories, Mayo Clinic
Classification: Benign. Last evaluated: 2020-08-13. Review status: criteria provided, single submitter. Criteria: ACMG Guidelines, 2015. Collection method: clinical testing. Allele origin: germline. Observed: 116 variant alleles.

Illumina Laboratory Services, Illumina
Classification: Benign for Autosomal recessive nonsyndromic hearing loss 49. Last evaluated: 2018-01-12. Review status: criteria provided, single submitter. Criteria: ICSL Variant Classification Criteria 13 December 2019. Collection method: clinical testing. Allele origin: germline.
Comment: This variant was observed in the ICSL laboratory as part of a predisposition screen in an ostensibly healthy population. It had not been previously curated by ICSL or reported in the Human Gene Mutation Database (HGMD: prior to June 1st, 2018), and was therefore a candidate for classification through an automated scoring system. Utilizing variant allele frequency, disease prevalence and penetrance estimates, and inheritance mode, an automated score was calculated to assess if this variant is too frequent to cause the disease. Based on the score and internal cut-off values, a variant classified as benign is not then subjected to further curation. The score for this variant resulted in a classification of benign for this disease.

GeneDx
Classification: Benign. Last evaluated: 2017-05-09. Review status: criteria provided, single submitter. Criteria: GeneDx Variant Classification (06012015). Collection method: clinical testing. Allele origin: germline. Affected: yes.
Comment: This variant is considered likely benign or benign based on one or more of the following criteria: it is a conservative change, it occurs at a poorly conserved position in the protein, it is predicted to be benign by multiple in silico algorithms, and/or has population frequency not consistent with disease.

Laboratory for Molecular Medicine, Mass General Brigham Personalized Medicine
Classification: Benign. Last evaluated: 2012-05-07. Review status: criteria provided, single submitter. Criteria: LMM Criteria. Collection method: clinical testing. Allele origin: germline. Observed: 1,201 variant alleles.
Comment: Thr33Ile in Exon 02 of MARVELD2: This variant is not expected to have clinical s ignificance because it has been identified in 48.6% (3413/7020) of European Amer ican chromosomes from a broad population by the NHLBI Exome Sequencing Project (dbSNP rs1185246).

Breakthrough Genomics
Classification: Benign. Review status: criteria provided, single submitter. Criteria: ACMG Guidelines, 2015. Collection method: not provided. Allele origin: germline. Inheritance: Autosomal recessive inheritance. Affected: yes.

PreventionGenetics, part of Exact Sciences
Classification: Benign. Review status: criteria provided, single submitter. Criteria: ACMG Guidelines, 2015. Collection method: clinical testing. Allele origin: germline.